The following is an entry in ClinVar:

NM_002911.4(UPF1):c.64G>C (p.Glu22Gln)

Gene: UPF1 (UPF1 RNA helicase and ATPase; plus strand). Cytogenetic location: 19p13.11.
Variant type: single nucleotide variant.
Coding change: c.64G>C on transcript NM_002911.4 (MANE Select); coding-DNA position 64, G replaced by C.
Protein change: p.Glu22Gln; replaces glutamic acid 22 with glutamine.
Molecular consequence: missense variant.
Genome position (GRCh38, 1-based): chr19:18,832,273, G>C. VCF-style: chr19-18832273-G-C. GRCh37 (hg19) VCF-style: chr19-18943082-G-C.
Other names: c.64G>C, p.Glu22Gln (NM_001297549.2); short protein forms E22Q.
Identifiers: ClinVar variation 2579588 (VCV002579588.1), dbSNP rs2512877841, ClinGen allele CA404865843.

ClinVar aggregate classification (germline): Uncertain significance (1 of 4 stars; one submission).

Allele frequency attached by ClinVar (database versions not stated): gnomAD exomes below 0.00001.
gnomAD v4.1: 1 of 1,550,988 alleles (0.000064%); highest among the groups gnomAD compares: Non-Finnish European, 0.000087%; no homozygotes.

Submission:

GeneDx
Classification: Uncertain significance. Last evaluated: 2023-03-09. Review status: criteria provided, single submitter. Criteria: GeneDx Variant Classification Process June 2021. Collection method: clinical testing. Allele origin: germline. Affected: yes.
Comment: Not observed at significant frequency in large population cohorts (gnomAD); In silico analysis supports that this missense variant does not alter protein structure/function; Has not been previously published as pathogenic or benign to our knowledge